The following is an entry in ClinVar:

NM_002691.4(POLD1):c.2004_2005delinsTT (p.Lys668_Arg669delinsAsnTrp)

Gene: POLD1 (DNA polymerase delta 1, catalytic subunit; plus strand). Cytogenetic location: 19q13.33.
Variant type: Indel.
Coding change: c.2004_2005delinsTT on transcript NM_002691.4 (MANE Select); coding-DNA positions 2004 to 2005, GA replaced by TT.
Protein change: p.Lys668_Arg669delinsAsnTrp.
Molecular consequence: missense variant. On other transcripts: non-coding transcript variant (1).
Genome position (GRCh38, 1-based): chr19:50,409,233-50,409,234, GA replaced by TT. VCF-style: chr19-50409233-GA-TT. GRCh37 (hg19) VCF-style: chr19-50912490-GA-TT.
Other names: c.2004_2005delinsTT, p.Lys668_Arg669delinsAsnTrp (NM_001256849.1); c.2082_2083delinsTT, p.Lys694_Arg695delinsAsnTrp (NM_001308632.1).
Identifiers: ClinVar variation 2033270 (VCV002033270.4), dbSNP rs2514016056, ClinGen allele CA2580097682.

ClinVar aggregate classification (germline): Uncertain significance (1 of 4 stars; one submission).

Conditions:
POLD1-related polyposis and colorectal cancer syndrome (CRCS10). Also called: Colorectal cancer 10; COLORECTAL CANCER, SUSCEPTIBILITY TO, ON CHROMOSOME 19q; Colorectal cancer, susceptibility to, 10. Identifiers: Orphanet 220460, MedGen C2675481, MONDO:0012953, OMIM 612591.

Submission:

Labcorp Genetics (formerly Invitae), Labcorp
Classification: Uncertain significance for POLD1-related polyposis and colorectal cancer syndrome. Last evaluated: 2022-09-28. Review status: criteria provided, single submitter. Criteria: Invitae Variant Classification Sherloc (09022015). Collection method: clinical testing. Allele origin: germline.
Comment: This variant, c.2004_2005delinsTT, is a complex sequence change that results in the deletion of 2 and insertion of 2 amino acid(s) in the POLD1 protein (p.Lys668_Arg669delinsAsnTrp). Information on the frequency of this variant in the gnomAD database is not available, as this variant may be reported differently in the database. This variant has not been reported in the literature in individuals affected with POLD1-related conditions. Experimental studies and prediction algorithms are not available or were not evaluated, and the functional significance of this variant is currently unknown. In summary, the available evidence is currently insufficient to determine the role of this variant in disease. Therefore, it has been classified as a Variant of Uncertain Significance.